The following is an entry in ClinVar:

NM_014425.5(INVS):c.2841T>G (p.Ala947=)

Gene: INVS (inversin; plus strand). Cytogenetic location: 9q31.1.
Variant type: single nucleotide variant.
Coding change: c.2841T>G on transcript NM_014425.5 (MANE Select); coding-DNA position 2841, T replaced by G.
Protein change: p.Ala947=; no amino-acid change (alanine 947 retained).
Molecular consequence: synonymous variant. On other transcripts: non-coding transcript variant (1).
Genome position (GRCh38, 1-based): chr9:100,296,971, T>G. VCF-style: chr9-100296971-T-G. GRCh37 (hg19) VCF-style: chr9-103059253-T-G.
Other names: c.2553T>G, p.Ala851= (NM_001318381.2); c.1863T>G, p.Ala621= (NM_001318382.2).
Identifiers: ClinVar variation 3029979 (VCV003029979.2), dbSNP rs2490134102, ClinGen allele CA466444007.

ClinVar aggregate classification (germline): Likely benign (0 of 4 stars; one submission).

Conditions:
INVS-related disorder. Also called: INVS-related condition.

Submission:

PreventionGenetics, part of Exact Sciences
Classification: Likely benign for INVS-related condition. Last evaluated: 2021-03-29. Review status: no assertion criteria provided. Collection method: clinical testing. Allele origin: germline.
Comment: This variant is classified as likely benign based on ACMG/AMP sequence variant interpretation guidelines (Richards et al. 2015 PMID: 25741868, with internal and published modifications).